The following is an entry in ClinVar:

NM_001854.4(COL11A1):c.5191G>T (p.Ala1731Ser)

Genes: COL11A1 (collagen type XI alpha 1 chain; minus strand), LOC126805814 (P300/CBP strongly-dependent group 1 enhancer GRCh37_chr1:103344928-103346127; plus strand). Cytogenetic location: 1p21.1.
Variant type: single nucleotide variant.
Coding change: c.5191G>T on transcript NM_001854.4 (MANE Select); coding-DNA position 5191, G replaced by T.
Protein change: p.Ala1731Ser; replaces alanine 1731 with serine.
Molecular consequence: missense variant. On other transcripts: non-coding transcript variant (1).
Genome position (GRCh38, 1-based): chr1:102,879,766, C>A on the plus strand (G>T on the coding strand, the complement: COL11A1 is on the minus strand). VCF-style: chr1-102879766-C-A. GRCh37 (hg19) VCF-style: chr1-103345322-C-A.
Other names: c.4843G>T, p.Ala1615Ser (NM_001168249.1, NM_080630.4); c.5074G>T, p.Ala1692Ser (NM_001190709.2); c.5227G>T, p.Ala1743Ser (NM_080629.3); short protein forms A1743S, A1615S, A1692S, A1731S.
Identifiers: ClinVar variation 1943268 (VCV001943268.5), dbSNP rs924463224, ClinGen allele CA341210905.
Genomic context (GRCh38, chr1:102,879,766, plus strand): 5'-TGATAAAAGGATTATTGTCATAGGACATCTCCTCATCATTTGATCCCAGGAAGCGAAGTG[C>A]TTTGTCATAACTTCCTGATGACACATCATACCAGGCTGCTGACTGATGACAGTGGTAGGT-3'
Protein context (NP_001845.3, residues 1721-1741): YDVSSGSYDK[Ala1731Ser]LRFLGSNDEE

ClinVar aggregate classification (germline): Uncertain significance (1 of 4 stars; one submission).

Allele frequency attached by ClinVar (database versions not stated): gnomAD exomes below 0.00001.
gnomAD v4.1: 5 of 1,613,954 alleles (0.00031%); highest among the groups gnomAD compares: Non-Finnish European, 0.00034%; no homozygotes.

Submission:

Labcorp Genetics (formerly Invitae), Labcorp
Classification: Uncertain significance. Last evaluated: 2025-06-16. Review status: criteria provided, single submitter. Criteria: Invitae Variant Classification Sherloc (09022015). Collection method: clinical testing. Allele origin: germline.
Comment: This sequence change replaces alanine, which is neutral and non-polar, with serine, which is neutral and polar, at codon 1731 of the COL11A1 protein (p.Ala1731Ser). This variant is not present in population databases (gnomAD no frequency). This variant has not been reported in the literature in individuals affected with COL11A1-related conditions. ClinVar contains an entry for this variant (Variation ID: 1943268). Invitae Evidence Modeling of protein sequence and biophysical properties (such as structural, functional, and spatial information, amino acid conservation, physicochemical variation, residue mobility, and thermodynamic stability) indicates that this missense variant is not expected to disrupt COL11A1 protein function with a negative predictive value of 80%. In summary, the available evidence is currently insufficient to determine the role of this variant in disease. Therefore, it has been classified as a Variant of Uncertain Significance.